The following is an entry in ClinVar:

NM_001349798.2(FBXW7):c.502-2411T>A

Gene: FBXW7 (F-box and WD repeat domain containing 7; minus strand). Cytogenetic location: 4q31.3.
Variant type: single nucleotide variant.
Coding change: c.502-2411T>A on transcript NM_001349798.2 (MANE Select); 2411 bases into the intron before coding-DNA position 502, T replaced by A.
Molecular consequence: intron variant. On other transcripts: missense variant (1).
Genome position (GRCh38, 1-based): chr4:152,352,535, A>T on the plus strand (T>A on the coding strand, the complement: FBXW7 is on the minus strand). VCF-style: chr4-152352535-A-T. GRCh37 (hg19) VCF-style: chr4-153273687-A-T.
Other names: c.196T>A, p.Ser66Thr (NM_018315.5); c.148-2411T>A (NM_001013415.2); c.502-2411T>A (NM_033632.3); short protein forms S66T.
Identifiers: ClinVar variation 3602665 (VCV003602665.1).

ClinVar aggregate classification (germline): Uncertain significance (1 of 4 stars; one submission).

Conditions:
Developmental delay, hypotonia, and impaired language (DEDHIL). Identifiers: MedGen C5774202, MONDO:0859280, OMIM 620012.

gnomAD v4.1: 90 of 1,613,810 alleles (0.0056%); highest among the groups gnomAD compares: Non-Finnish European, 0.0074%; no homozygotes.

Submission:

St. Jude Molecular Pathology, St. Jude Children's Research Hospital
Classification: Uncertain significance for Developmental delay, hypotonia, and impaired language. Last evaluated: 2025-02-05. Review status: criteria provided, single submitter. Criteria: St. Jude Assertion Criteria 2020. Collection method: clinical testing. Allele origin: germline.
Comment: The FBXW7 c.196T>A (p.Ser66Thr) missense change has a maximum subpopulation frequency of 0.007% in gnomAD v2.1.1. The in silico tool REVEL predicts a benign effect on protein function, but to our knowledge this prediction has not been confirmed by functional studies. To our knowledge, this variant has not been reported in the literature in individuals with FBXW7-associated conditions. In summary, the evidence currently available is insufficient to determine the clinical significance of this variant. It has therefore been classified as of uncertain significance.